The following is an entry in ClinVar:

ClinVar aggregate classification (germline): Uncertain significance (1 of 4 stars; one submission).

Conditions:
Rhabdoid tumor predisposition syndrome 2 (RTPS2). Identifiers: Orphanet 231108, Orphanet 69077, MedGen C2750074, MONDO:0013224, OMIM 613325.

Submission:

Labcorp Genetics (formerly Invitae), Labcorp
Classification: Uncertain significance for Rhabdoid tumor predisposition syndrome 2. Last evaluated: 2024-04-29. Review status: criteria provided, single submitter. Criteria: Invitae Variant Classification Sherloc (09022015). Collection method: clinical testing. Allele origin: germline.
Comment: This sequence change replaces leucine, which is neutral and non-polar, with methionine, which is neutral and non-polar, at codon 682 of the SMARCA4 protein (p.Leu682Met). This variant is not present in population databases (gnomAD no frequency). This variant has not been reported in the literature in individuals affected with SMARCA4-related conditions. ClinVar contains an entry for this variant (Variation ID: 470274). Advanced modeling of protein sequence and biophysical properties (such as structural, functional, and spatial information, amino acid conservation, physicochemical variation, residue mobility, and thermodynamic stability) performed at Invitae indicates that this missense variant is not expected to disrupt SMARCA4 protein function with a negative predictive value of 95%. In summary, the available evidence is currently insufficient to determine the role of this variant in disease. Therefore, it has been classified as a Variant of Uncertain Significance.

NM_003072.5(SMARCA4):c.2044C>A (p.Leu682Met)

Gene: SMARCA4 (SWI/SNF related BAF chromatin remodeling complex subunit ATPase 4; plus strand). Cytogenetic location: 19p13.2.
Variant type: single nucleotide variant.
Coding change: c.2044C>A on transcript NM_003072.5 (MANE Select); coding-DNA position 2044, C replaced by A.
Protein change: p.Leu682Met; replaces leucine 682 with methionine.
Molecular consequence: missense variant. On other transcripts: non-coding transcript variant (1).
Genome position (GRCh38, 1-based): chr19:11,007,944, C>A. VCF-style: chr19-11007944-C-A. GRCh37 (hg19) VCF-style: chr19-11118620-C-A.
Other names: c.2044C>A, p.Leu682Met (NM_001128844.3, NM_001128845.2, NM_001128846.2 and 5 more transcripts); short protein forms L682M.
Identifiers: ClinVar variation 470274 (VCV000470274.8), dbSNP rs773252889, ClinGen allele CA404052454.